The following is an entry in ClinVar:

ClinVar aggregate classification (germline): Uncertain significance (1 of 4 stars; one submission).

Allele frequency attached by ClinVar (database versions not stated): TOPMed below 0.00001.
gnomAD v4.1: 1 of 1,613,884 alleles (0.000062%); no homozygotes.

Submission:

Women's Health and Genetics/Laboratory Corporation of America, LabCorp
Classification: Uncertain significance. Last evaluated: 2024-04-19. Review status: criteria provided, single submitter. Criteria: LabCorp Variant Classification Summary - May 2015. Collection method: clinical testing. Allele origin: germline.
Comment: Variant summary: RPE65 c.133T>C (p.Cys45Arg) results in a non-conservative amino acid change in the encoded protein sequence. Five of five in-silico tools predict a damaging effect of the variant on protein function. The variant was absent in 251472 control chromosomes (gnomAD v2.1). The available data on variant occurrences in the general population are insufficient to allow any conclusion about variant significance. c.133T>C has been reported in the literature in a compound heterozygous individual affected with retinitis pigmentosa (Oishi_2014). To our knowledge, no experimental evidence demonstrating an impact on protein function has been reported. However, several missense changes are reported in affected individuals (HGMD) that alter nearby residues (e.g. G40S, L42F, R44Q, G46E, G48E, F50S), indicating a functional importance for this protein region. The following publication has been ascertained in the context of this evaluation (PMID: 25324289). No submitters have cited clinical-significance assessments for this variant to ClinVar. Based on the evidence outlined above, the variant was classified as uncertain significance.

Literature cited by the submitters: PubMed 25324289.

NM_000329.3(RPE65):c.133T>C (p.Cys45Arg)

Gene: RPE65 (retinoid isomerohydrolase RPE65; minus strand). Cytogenetic location: 1p31.3.
Variant type: single nucleotide variant.
Coding change: c.133T>C on transcript NM_000329.3 (MANE Select); coding-DNA position 133, T replaced by C.
Protein change: p.Cys45Arg; replaces cysteine 45 with arginine.
Molecular consequence: missense variant. On other transcripts: 5 prime UTR variant (1), intron variant (1).
Genome position (GRCh38, 1-based): chr1:68,446,822, A>G on the plus strand (T>C on the coding strand, the complement: RPE65 is on the minus strand). VCF-style: chr1-68446822-A-G. GRCh37 (hg19) VCF-style: chr1-68912505-A-G.
Other names: c.133T>C, p.Cys45Arg (NM_001406853.1, NM_001406859.1, NM_001406860.1); c.-144T>C (NM_001406857.1); c.-32+1802T>C (NM_001406856.1); short protein forms C45R.
Identifiers: ClinVar variation 3251846 (VCV003251846.1), dbSNP rs1645946067.